The following is an entry in ClinVar:

ClinVar aggregate classification (germline): Uncertain significance (1 of 4 stars; one submission).

Submission:

Labcorp Genetics (formerly Invitae), Labcorp
Classification: Uncertain significance. Last evaluated: 2024-04-25. Review status: criteria provided, single submitter. Criteria: Invitae Variant Classification Sherloc (09022015). Collection method: clinical testing. Allele origin: germline.
Comment: This sequence change creates a premature translational stop signal (p.Cys430Leufs*4) in the CLCN6 gene. It is expected to result in an absent or disrupted protein product. However, the current clinical and genetic evidence is not sufficient to establish whether loss-of-function variants in CLCN6 cause disease. The frequency data for this variant in the population databases is considered unreliable, as metrics indicate poor data quality at this position in the gnomAD database. This variant has not been reported in the literature in individuals affected with CLCN6-related conditions. Experimental studies and prediction algorithms are not available or were not evaluated, and the functional significance of this variant is currently unknown. In summary, the available evidence is currently insufficient to determine the role of this variant in disease. Therefore, it has been classified as a Variant of Uncertain Significance.

NM_001286.5(CLCN6):c.1288dup (p.Cys430fs)

Gene: CLCN6 (chloride voltage-gated channel 6; plus strand). Cytogenetic location: 1p36.22.
Variant type: Duplication.
Coding change: c.1288dup on transcript NM_001286.5 (MANE Select); coding-DNA position 1288, one base duplicated (T; older notation c.1288dupT).
Protein change: p.Cys430fs; shifts the reading frame from cysteine 430.
Molecular consequence: frameshift variant. On other transcripts: non-coding transcript variant (1).
Genome position (GRCh38, 1-based): chr1:11,833,554, T duplicated; the last of 7 consecutive T bases (chr1:11,833,548-11,833,554); duplicating any one gives the same sequence. VCF-style (leftmost placement, unchanged base first): chr1-11833547-A-AT. GRCh37 (hg19) VCF-style: chr1-11893604-A-AT.
Other names: c.1222dup, p.Cys408fs (NM_001256959.2); short protein forms C430fs, C408fs.
Identifiers: ClinVar variation 2860841 (VCV002860841.3), dbSNP rs778208569, ClinGen allele CA596423.
Genomic context (GRCh38, chr1:11,833,547, plus strand): 5'-TACTGATTTTCTGATTCCTTCTTCTCAGGTCACAGAAGATGTGAATTCAAGTATCAAGAC[A>AT]TTTTTTTGTCCCAATGATACCTACAATGACATGGCCACACTCTTCTTCAACCCGCAGGAG-3'